The following is an entry in ClinVar:

NM_000218.3(KCNQ1):c.1898_1899del (p.Glu633fs)

Genes: KCNQ1 (potassium voltage-gated channel subfamily Q member 1; plus strand), KCNQ1-AS1 (KCNQ1 antisense RNA 1; minus strand). Cytogenetic location: 11p15.4.
Variant type: Microsatellite.
Coding change: c.1898_1899del on transcript NM_000218.3 (MANE Select); coding-DNA positions 1898 to 1899, 2 bases deleted (AG; older notation c.1898_1899delAG).
Protein change: p.Glu633fs; shifts the reading frame from glutamic acid 633.
Molecular consequence: frameshift variant.
Genome position (GRCh38, 1-based): chr11:2,847,870-2,847,871, AG deleted; deleting any 2 consecutive bases within chr11:2,847,866-2,847,871 gives the same sequence; the c. name uses the placement nearest the transcript's 3' end. VCF-style (leftmost placement, unchanged base first): chr11-2847865-CAG-C. GRCh37 (hg19) VCF-style: chr11-2869095-CAG-C.
Other names: c.1898_1899delAG (NM_000218.2); c.1894_1895AG[2], p.Glu633Glyfs (NM_000218.2); c.1802_1803del, p.Glu601fs (NM_001406836.1); c.1628_1629del, p.Glu543fs (NM_001406837.1); c.1358_1359del, p.Glu453fs (NM_001406838.1); c.410_411del, p.Glu137fs (NM_001406839.1); c.1517_1518del, p.Glu506fs (NM_181798.2); short protein forms E453fs, E601fs, E137fs, E543fs, E633fs, E506fs.
Identifiers: ClinVar variation 3532641 (VCV003532641.2).

ClinVar aggregate classification (germline): Uncertain significance. Review status: criteria provided, multiple submitters, no conflicts (2 of 4 stars). 2 submissions from 2 submitters: Uncertain significance (2). Last evaluated 2025-08-20.

Conditions:
Long QT syndrome (LQTS). Identifiers: MedGen C0023976, MeSH D008133, MONDO:0002442. Disease mechanism: loss of function. Inheritance: Various modes of inheritance.
Cardiovascular phenotype. Identifiers: MedGen CN230736.

Submissions (2):

Labcorp Genetics (formerly Invitae), Labcorp
Classification: Uncertain significance for Long QT syndrome. Last evaluated: 2025-08-20. Review status: criteria provided, single submitter. Criteria: Invitae Variant Classification Sherloc (09022015). Collection method: clinical testing. Allele origin: germline.
Comment: This sequence change creates a premature translational stop signal (p.Glu633Glyfs*18) in the KCNQ1 gene. While this is not anticipated to result in nonsense mediated decay, it is expected to disrupt the last 44 amino acid(s) of the KCNQ1 protein. This variant is not present in population databases (gnomAD no frequency). This variant has not been reported in the literature in individuals affected with KCNQ1-related conditions. This variant disrupts a region of the KCNQ1 protein in which other variant(s) (p.Asp673Gly) have been observed in individuals with KCNQ1-related conditions (PMID: 32383558). This suggests that this is a clinically significant region of the protein, and that variants that disrupt it are likely to be disease-causing. In summary, the available evidence is currently insufficient to determine the role of this variant in disease. Therefore, it has been classified as a Variant of Uncertain Significance.

Ambry Genetics
Classification: Uncertain significance for Cardiovascular phenotype. Last evaluated: 2024-10-29. Review status: criteria provided, single submitter. Criteria: Ambry Variant Classification Scheme 2023. Collection method: clinical testing. Allele origin: germline.
Comment: The c.1898_1899delAG variant, located in coding exon 16 of the KCNQ1 gene, results from a deletion of two nucleotides at nucleotide positions 1898 to 1899, causing a translational frameshift with a predicted alternate stop codon (p.E633Gfs*18). This alteration occurs at the 3' terminus of theKCNQ1 gene, is not expected to trigger nonsense-mediated mRNAdecay, and only impacts the last 6% of the protein. The exact functional effect of this alteration is unknown. Based on the available evidence, the clinical significance of this variant remains unclear.

Literature cited by the submitters: PubMed 32383558 (cited by Labcorp Genetics (formerly Invitae), Labcorp).